The following is an entry in ClinVar:

ClinVar aggregate classification (germline): Uncertain significance (1 of 4 stars; one submission).

gnomAD v4.1: 753 of 1,611,386 alleles (0.047%); highest among the groups gnomAD compares: South Asian, 0.8%; 7 homozygotes.

Submission:

GeneDx
Classification: Uncertain significance. Last evaluated: 2025-07-08. Review status: criteria provided, single submitter. Criteria: GeneDx Variant Classification Process June 2021. Collection method: clinical testing. Allele origin: germline. Affected: yes.
Comment: Has not been previously published as pathogenic or benign to our knowledge; In silico analysis supports that this missense variant has a deleterious effect on protein structure/function

NM_181534.4(KRT25):c.416A>T (p.Asp139Val)

Gene: KRT25 (keratin 25; minus strand). Cytogenetic location: 17q21.2.
Variant type: single nucleotide variant.
Coding change: c.416A>T on transcript NM_181534.4 (MANE Select); coding-DNA position 416, A replaced by T.
Protein change: p.Asp139Val; replaces aspartic acid 139 with valine.
Molecular consequence: missense variant.
Genome position (GRCh38, 1-based): chr17:40,754,856, T>A on the plus strand (A>T on the coding strand, the complement: KRT25 is on the minus strand). VCF-style: chr17-40754856-T-A. GRCh37 (hg19) VCF-style: chr17-38911108-T-A.
Other names: short protein forms D139V.
Identifiers: ClinVar variation 4685139 (VCV004685139.1).